The following is an entry in ClinVar:

ClinVar aggregate classification (germline): Conflicting classifications of pathogenicity. Review status: criteria provided, conflicting classifications (1 of 4 stars). 3 submissions from 3 submitters: Likely pathogenic (1); Uncertain significance (2). Last evaluated 2025-07-30.

Conditions:
3-methylcrotonyl-CoA carboxylase 2 deficiency. Also called: 3 alpha methylcrotonyl-CoA carboxylase 2 deficiency; 3 alpha methylcrotonylglycinuria 2; MCC 2 deficiency; Methylcrotonylglycinuria type 2; METHYLCROTONYLGLYCINURIA, TYPE II. Identifiers: Orphanet 6, MedGen C1859499, MONDO:0008862, OMIM 210210.

Submissions (3):

Women's Health and Genetics/Laboratory Corporation of America, LabCorp
Classification: Uncertain significance. Last evaluated: 2025-07-30. Review status: criteria provided, single submitter. Criteria: LabCorp Variant Classification Summary - May 2015. Collection method: clinical testing. Allele origin: germline.
Comment: Variant summary: MCCC2 c.518C>G (p.Ser173Trp) results in a non-conservative amino acid change in the encoded protein sequence. Algorithms developed to predict the effect of missense changes on protein structure and function all suggest that this variant is likely to be disruptive. The variant was absent in 251440 control chromosomes. c.518C>G has been observed in the compound heterozygous state in at least 1 individual(s) affected with Methylcrotonyl-CoA Carboxylase Deficiency (Labcorp Genetics (formerly Invitae)). These data do not allow any conclusion about variant significance. A different missense variant at this codon (c.518C>T, p.Ser173Leu) has been determined to be likely pathogenic/pathogenic by our laboratory, supporting the critical relevance of codon 173 to MCCC2 protein function. To our knowledge, no experimental evidence demonstrating an impact on protein function has been reported. The following publication has been ascertained in the context of this evaluation (PMID: 32778825). ClinVar contains an entry for this variant (Variation ID: 198251). Based on the evidence outlined above, the variant was classified as VUS-possibly pathogenic.

Labcorp Genetics (formerly Invitae), Labcorp
Classification: Likely pathogenic for 3-methylcrotonyl-CoA carboxylase 2 deficiency. Last evaluated: 2023-09-12. Review status: criteria provided, single submitter. Criteria: Invitae Variant Classification Sherloc (09022015). Collection method: clinical testing. Allele origin: germline.
Comment: In summary, the currently available evidence indicates that the variant is pathogenic, but additional data are needed to prove that conclusively. Therefore, this variant has been classified as Likely Pathogenic. This variant disrupts the p.Ser173 amino acid residue in MCCC2. Other variant(s) that disrupt this residue have been determined to be pathogenic (PMID: 11181649, 22642865). This suggests that this residue is clinically significant, and that variants that disrupt this residue are likely to be disease-causing. Advanced modeling of protein sequence and biophysical properties (such as structural, functional, and spatial information, amino acid conservation, physicochemical variation, residue mobility, and thermodynamic stability) performed at Invitae indicates that this missense variant is expected to disrupt MCCC2 protein function. ClinVar contains an entry for this variant (Variation ID: 198251). This missense change has been observed in individual(s) with clinical features of 3-methylcrotonyl-CoA carboxylase deficiency (Invitae). In at least one individual the data is consistent with being in trans (on the opposite chromosome) from a pathogenic variant. This variant is not present in population databases (gnomAD no frequency). This sequence change replaces serine, which is neutral and polar, with tryptophan, which is neutral and slightly polar, at codon 173 of the MCCC2 protein (p.Ser173Trp).

Eurofins Ntd Llc (ga)
Classification: Uncertain significance. Last evaluated: 2014-09-23. Review status: criteria provided, single submitter. Criteria: EGL Classification Definitions 2015. Collection method: clinical testing. Allele origin: germline. Observed: 1 variant allele, 1 homozygote.

Literature cited by the submitters: PubMed 32778825 (cited by Women's Health and Genetics/Laboratory Corporation of America, LabCorp); PubMed 11181649 (cited by Labcorp Genetics (formerly Invitae), Labcorp); PubMed 22642865 (cited by Labcorp Genetics (formerly Invitae), Labcorp).

NM_022132.5(MCCC2):c.518C>G (p.Ser173Trp)

Gene: MCCC2 (methylcrotonyl-CoA carboxylase subunit 2; plus strand). Cytogenetic location: 5q13.2.
Variant type: single nucleotide variant.
Coding change: c.518C>G on transcript NM_022132.5 (MANE Select); coding-DNA position 518, C replaced by G.
Protein change: p.Ser173Trp; replaces serine 173 with tryptophan.
Molecular consequence: missense variant.
Genome position (GRCh38, 1-based): chr5:71,604,362, C>G. VCF-style: chr5-71604362-C-G. GRCh37 (hg19) VCF-style: chr5-70900189-C-G.
Other names: c.518C>G, p.Ser173Trp (NM_001363147.1); c.518C>G (NM_022132.4); short protein forms S173W.
Identifiers: ClinVar variation 198251 (VCV000198251.10), dbSNP rs752866557, ClinGen allele CA275355.